The following is an entry in ClinVar:

NC_000009.12:g.132944772C>T

Gene: TSC1 (TSC complex subunit 1; minus strand). Cytogenetic location: 9q34.13.
Variant type: single nucleotide variant.
Genome position: GRCh38 VCF-style: chr9-132944772-C-T. GRCh37 (hg19) VCF-style: chr9-135820159-C-T.
Identifiers: ClinVar variation 1695273 (VCV001695273.31), dbSNP rs538491949, ClinGen allele CA200910718.

ClinVar aggregate classification (germline): Likely benign (1 of 4 stars; one submission).

Allele frequency attached by ClinVar (database versions not stated): 1000 Genomes Project 30x 0.00078; 1000 Genomes Project 0.00100; gnomAD 0.00202 and 0.00206; TOPMed 0.00246; gnomAD exomes 0.00329.
gnomAD v4.1: 1,161 of 396,114 alleles (0.29%); highest among the groups gnomAD compares: Middle Eastern, 0.76%; 12 homozygotes.

Submission:

CeGaT Center for Human Genetics Tuebingen
Classification: Likely benign. Last evaluated: 2026-09-01. Review status: criteria provided, single submitter. Criteria: CeGaT Center For Human Genetics Tuebingen Variant Classification Criteria Version 2. Collection method: clinical testing. Allele origin: germline. Affected: yes. Observed: 133 variant alleles.
Comment: TSC1: BS1